The following is an entry in ClinVar:

ClinVar aggregate classification (germline): Uncertain significance (1 of 4 stars; one submission).

Conditions:
Hereditary pulmonary alveolar proteinosis. Also called: Pulmonary surfactant metabolism dysfunction. Identifiers: Orphanet 264675, MedGen C3711368, MONDO:0012580.

Allele frequency attached by ClinVar (database versions not stated): gnomAD exomes below 0.00001; TOPMed below 0.00001; ExAC 0.00001; gnomAD 0.00001.
gnomAD v4.1: 2 of 1,613,454 alleles (0.00012%); highest among the groups gnomAD compares: Non-Finnish European, 0.00017%; no homozygotes.

Submission:

Ambry Genetics
Classification: Uncertain significance for Hereditary pulmonary alveolar proteinosis. Last evaluated: 2018-03-01. Review status: criteria provided, single submitter. Criteria: Ambry Variant Classification Scheme 2023. Collection method: clinical testing. Allele origin: germline.
Comment: The p.T1173A variant (also known as c.3517A>G), located in coding exon 21 of the ABCA3 gene, results from an A to G substitution at nucleotide position 3517. The threonine at codon 1173 is replaced by alanine, an amino acid with similar properties. This amino acid position is not well conserved in available vertebrate species. In addition, this alteration is predicted to be tolerated by in silico analysis. Since supporting evidence is limited at this time, the clinical significance of this alteration remains unclear.

NM_001089.3(ABCA3):c.3517A>G (p.Thr1173Ala)

Gene: ABCA3 (ATP binding cassette subfamily A member 3; minus strand). Cytogenetic location: 16p13.3.
Variant type: single nucleotide variant.
Coding change: c.3517A>G on transcript NM_001089.3 (MANE Select); coding-DNA position 3517, A replaced by G.
Protein change: p.Thr1173Ala; replaces threonine 1173 with alanine.
Molecular consequence: missense variant.
Genome position (GRCh38, 1-based): chr16:2,284,965, T>C on the plus strand (A>G on the coding strand, the complement: ABCA3 is on the minus strand). VCF-style: chr16-2284965-T-C. GRCh37 (hg19) VCF-style: chr16-2334966-T-C.
Other names: short protein forms T1173A.
Identifiers: ClinVar variation 1732215 (VCV001732215.2), dbSNP rs770315509, ClinGen allele CA7840474.
Genomic context (GRCh38, chr16:2,284,965, plus strand): 5'-TGATGGCCCAGCCGTAGAGCAGGAGCAGCAGCAGGGTGTCAGCCATGTGGCCGTCCCGCG[T>C]GAAGGCACGCACGTCGAAGGCCTTAAACACCACCTGCGGCGGCACAGGGAGGCGCTGCTG-3'
Protein context (NP_001080.2, residues 1163-1183): VFKAFDVRAF[Thr1173Ala]RDGHMADTLL